The following is an entry in ClinVar:

NM_001042545.2(LTBP4):c.2056G>A (p.Val686Met)

Gene: LTBP4 (latent transforming growth factor beta binding protein 4; plus strand). Cytogenetic location: 19q13.2.
Variant type: single nucleotide variant.
Coding change: c.2056G>A on transcript NM_001042545.2 (MANE Select); coding-DNA position 2056, G replaced by A.
Protein change: p.Val686Met; replaces valine 686 with methionine.
Molecular consequence: missense variant.
Genome position (GRCh38, 1-based): chr19:40,611,861, G>A. VCF-style: chr19-40611861-G-A. GRCh37 (hg19) VCF-style: chr19-41117767-G-A.
Other names: c.2257G>A, p.Val753Met (NM_001042544.1); c.2146G>A, p.Val716Met (NM_003573.2); short protein forms V686M, V716M, V753M.
Identifiers: ClinVar variation 3369210 (VCV003369210.2).

ClinVar aggregate classification (germline): Uncertain significance. Review status: criteria provided, multiple submitters, no conflicts (2 of 4 stars). 2 submissions from 2 submitters: Uncertain significance (2). Last evaluated 2024-06-10.

gnomAD v4.1: 35 of 1,607,764 alleles (0.0022%); highest among the groups gnomAD compares: Non-Finnish European, 0.003%; no homozygotes.

Submissions (2):

Labcorp Genetics (formerly Invitae), Labcorp
Classification: Uncertain significance. Last evaluated: 2024-06-10. Review status: criteria provided, single submitter. Criteria: Invitae Variant Classification Sherloc (09022015). Collection method: clinical testing. Allele origin: germline.
Comment: This sequence change replaces valine, which is neutral and non-polar, with methionine, which is neutral and non-polar, at codon 716 of the LTBP4 protein (p.Val716Met). This variant is not present in population databases (gnomAD no frequency). This variant has not been reported in the literature in individuals affected with LTBP4-related conditions. Experimental studies and prediction algorithms are not available or were not evaluated, and the functional significance of this variant is currently unknown. In summary, the available evidence is currently insufficient to determine the role of this variant in disease. Therefore, it has been classified as a Variant of Uncertain Significance.

GeneDx
Classification: Uncertain significance. Last evaluated: 2024-02-14. Review status: criteria provided, single submitter. Criteria: GeneDx Variant Classification Process June 2021. Collection method: clinical testing. Allele origin: germline. Affected: yes.
Comment: Not observed at significant frequency in large population cohorts (gnomAD); In silico analysis supports that this missense variant does not alter protein structure/function; Has not been previously published as pathogenic or benign to our knowledge